The following is an entry in ClinVar:

ClinVar aggregate classification (germline): Uncertain significance. Review status: criteria provided, multiple submitters, no conflicts (2 of 4 stars). 3 submissions from 3 submitters: Uncertain significance (3). Last evaluated 2025-09-28.

Conditions:
PCNT-related disorder. Also called: PCNT-related condition.
Inborn genetic diseases. Identifiers: MedGen C0950123, MeSH D030342.

Allele frequency attached by ClinVar (database versions not stated): TOPMed 0.00001; gnomAD 0.00003.
gnomAD v4.1: 20 of 1,609,326 alleles (0.0012%); highest among the groups gnomAD compares: Middle Eastern, 0.017%; no homozygotes.

Submissions (3):

Ambry Genetics
Classification: Uncertain significance for Inborn genetic diseases. Last evaluated: 2025-09-28. Review status: criteria provided, single submitter. Criteria: Ambry Variant Classification Scheme 2023. Collection method: clinical testing. Allele origin: germline.

Labcorp Genetics (formerly Invitae), Labcorp
Classification: Uncertain significance. Last evaluated: 2025-08-21. Review status: criteria provided, single submitter. Criteria: Invitae Variant Classification Sherloc (09022015). Collection method: clinical testing. Allele origin: germline.
Comment: This sequence change replaces glutamine, which is neutral and polar, with glutamic acid, which is acidic and polar, at codon 1809 of the PCNT protein (p.Gln1809Glu). This variant is present in population databases (no rsID available, gnomAD 0.0009%). This variant has not been reported in the literature in individuals affected with PCNT-related conditions. ClinVar contains an entry for this variant (Variation ID: 1393866). An algorithm developed to predict the effect of missense changes on protein structure and function (PolyPhen-2) suggests that this variant is likely to be tolerated. In summary, the available evidence is currently insufficient to determine the role of this variant in disease. Therefore, it has been classified as a Variant of Uncertain Significance.

PreventionGenetics, part of Exact Sciences
Classification: Uncertain significance for PCNT-related condition. Last evaluated: 2025-02-22. Review status: criteria provided, single submitter. Criteria: ACMG Guidelines, 2015. Collection method: clinical testing. Allele origin: germline.
Comment: The PCNT c.5425C>G variant is predicted to result in the amino acid substitution p.Gln1809Glu. To our knowledge, this variant has not been reported in the literature. This variant is reported in 0.00084% of alleles in individuals of European (Non-Finnish) descent in gnomAD. At this time, the clinical significance of this variant is uncertain due to the absence of conclusive functional and genetic evidence.

NM_006031.6(PCNT):c.5425C>G (p.Gln1809Glu)

Gene: PCNT (pericentrin; plus strand). Cytogenetic location: 21q22.3.
Variant type: single nucleotide variant.
Coding change: c.5425C>G on transcript NM_006031.6 (MANE Select); coding-DNA position 5425, C replaced by G.
Protein change: p.Gln1809Glu; replaces glutamine 1809 with glutamic acid.
Molecular consequence: missense variant.
Genome position (GRCh38, 1-based): chr21:46,411,498, C>G. VCF-style: chr21-46411498-C-G. GRCh37 (hg19) VCF-style: chr21-47831412-C-G.
Other names: c.5071C>G, p.Gln1691Glu (NM_001315529.2); c.5425C>G (NM_006031.5); short protein forms Q1809E, Q1691E.
Identifiers: ClinVar variation 1393866 (VCV001393866.7), dbSNP rs1225828617, ClinGen allele CA410553398.